The following is an entry in ClinVar:

NM_020911.2(PLXNA4):c.5232C>T (p.Pro1744=)

Gene: PLXNA4 (plexin A4; minus strand). Cytogenetic location: 7q32.3.
Variant type: single nucleotide variant.
Coding change: c.5232C>T on transcript NM_020911.2 (MANE Select); coding-DNA position 5232, C replaced by T.
Protein change: p.Pro1744=; no amino-acid change (proline 1744 retained).
Molecular consequence: synonymous variant.
Genome position (GRCh38, 1-based): chr7:132,140,805, G>A on the plus strand (C>T on the coding strand, the complement: PLXNA4 is on the minus strand). VCF-style: chr7-132140805-G-A. GRCh37 (hg19) VCF-style: chr7-131825564-G-A.
Other names: c.5232C>T, p.Pro1744= (NM_001393897.1).
Identifiers: ClinVar variation 3349004 (VCV003349004.1).
Genomic context (GRCh38, chr7:132,140,805, plus strand): 5'-GTTCTTATGGATGTCAAACACAAACTGCGGGTTCTTGATCATGTTGACCCAAAACCTCAG[G>A]GGCAGGCTGCGTGGAAGGAAGAGGCAGATGGTCAGGAAAGACGGGGCAGTGGGGCTGTGG-3'
Protein context (NP_065962.1, residues 1734-1754): VRHTWKSNCL[Pro1744=]LRFWVNMIKN

ClinVar aggregate classification (germline): Likely benign (0 of 4 stars; one submission).

Conditions:
PLXNA4-related disorder. Also called: PLXNA4-related condition.

gnomAD v4.1: 47 of 1,613,916 alleles (0.0029%); highest among the groups gnomAD compares: Non-Finnish European, 0.0035%; no homozygotes.

Submission:

PreventionGenetics, part of Exact Sciences
Classification: Likely benign for PLXNA4-related condition. Last evaluated: 2023-10-20. Review status: no assertion criteria provided. Collection method: clinical testing. Allele origin: germline.
Comment: This variant is classified as likely benign based on ACMG/AMP sequence variant interpretation guidelines (Richards et al. 2015 PMID: 25741868, with internal and published modifications).